The following is an entry in ClinVar:

ClinVar aggregate classification (germline): Benign. Review status: criteria provided, multiple submitters, no conflicts (2 of 4 stars). 2 submissions from 2 submitters: Benign (2). Last evaluated 2018-06-14.

Allele frequency attached by ClinVar (database versions not stated): 1000 Genomes Project 0.87360; 1000 Genomes Project 30x 0.87726; gnomAD 0.88265 and 0.88601; TOPMed 0.88689.
gnomAD v4.1: 134,218 of 152,194 alleles (88%); highest among the groups gnomAD compares: African/African-American, 93%; 59,325 homozygotes.

Submissions (2):

GeneDx
Classification: Benign. Last evaluated: 2018-06-14. Review status: criteria provided, single submitter. Criteria: GeneDx Variant Classification (06012015). Collection method: clinical testing. Allele origin: germline. Affected: yes.
Comment: This variant is considered likely benign or benign based on one or more of the following criteria: it is a conservative change, it occurs at a poorly conserved position in the protein, it is predicted to be benign by multiple in silico algorithms, and/or has population frequency not consistent with disease.

Breakthrough Genomics
Classification: Benign. Review status: criteria provided, single submitter. Criteria: ACMG Guidelines, 2015. Collection method: not provided. Allele origin: germline. Inheritance: Autosomal recessive inheritance. Affected: yes.

NM_001848.3(COL6A1):c.1611+217T>C

Gene: COL6A1 (collagen type VI alpha 1 chain; plus strand). Cytogenetic location: 21q22.3.
Variant type: single nucleotide variant.
Coding change: c.1611+217T>C on transcript NM_001848.3 (MANE Select); 217 bases into the intron after coding-DNA position 1611, T replaced by C.
Molecular consequence: intron variant.
Genome position (GRCh38, 1-based): chr21:45,998,650, T>C. VCF-style: chr21-45998650-T-C. GRCh37 (hg19) VCF-style: chr21-47418564-T-C.
Identifiers: ClinVar variation 679945 (VCV000679945.2), dbSNP rs4818811, ClinGen allele CA14903984.